The following is an entry in ClinVar:

ClinVar aggregate classification (germline): Uncertain significance (1 of 4 stars; one submission).

Conditions:
ACTRT1-related disorder. Also called: ACTRT1-related condition.

Allele frequency attached by ClinVar (database versions not stated): gnomAD exomes below 0.00001; TOPMed below 0.00001.

Submission:

PreventionGenetics, part of Exact Sciences
Classification: Uncertain significance for ACTRT1-related condition. Last evaluated: 2023-07-11. Review status: criteria provided, single submitter. Criteria: ACMG Guidelines, 2015. Collection method: clinical testing. Allele origin: germline.
Comment: The ACTRT1 c.296T>C variant is predicted to result in the amino acid substitution p.Val99Ala. To our knowledge, this variant has not been reported in the literature. This variant is reported in 0.0072% of alleles in individuals of East Asian descent in gnomAD. At this time, the clinical significance of this variant is uncertain due to the absence of conclusive functional and genetic evidence.

NM_138289.4(ACTRT1):c.296T>C (p.Val99Ala)

Gene: ACTRT1 (actin related protein T1; minus strand). Cytogenetic location: Xq25.
Variant type: single nucleotide variant.
Coding change: c.296T>C on transcript NM_138289.4 (MANE Select); coding-DNA position 296, T replaced by C.
Protein change: p.Val99Ala; replaces valine 99 with alanine.
Molecular consequence: missense variant.
Genome position (GRCh38, 1-based): chrX:128,051,911, A>G on the plus strand (T>C on the coding strand, the complement: ACTRT1 is on the minus strand). VCF-style: chrX-128051911-A-G. GRCh37 (hg19) VCF-style: chrX-127185890-A-G.
Other names: short protein forms V99A.
Identifiers: ClinVar variation 2631357 (VCV002631357.1), dbSNP rs1436421028, ClinGen allele CA414332360.